The following is an entry in ClinVar:

NM_002471.4(MYH6):c.5485G>C (p.Glu1829Gln)

Gene: MYH6 (myosin heavy chain 6; minus strand). Cytogenetic location: 14q11.2.
Variant type: single nucleotide variant.
Coding change: c.5485G>C on transcript NM_002471.4 (MANE Select); coding-DNA position 5485, G replaced by C.
Protein change: p.Glu1829Gln; replaces glutamic acid 1829 with glutamine.
Molecular consequence: missense variant.
Genome position (GRCh38, 1-based): chr14:23,384,522, C>G on the plus strand (G>C on the coding strand, the complement: MYH6 is on the minus strand). VCF-style: chr14-23384522-C-G. GRCh37 (hg19) VCF-style: chr14-23853731-C-G.
Other names: short protein forms E1829Q.
Identifiers: ClinVar variation 179101 (VCV000179101.13), dbSNP rs727504626, ClinGen allele CA183735.
Genomic context (GRCh38, chr14:23,384,522, plus strand): 5'-TGCGCCGCTCGCTCTTCCTCATGCCCTTCACCGACTCTGCGTTGCGCTTCTGCTCGGCCT[C>G]CAGCTCACCCTCCAGCTCCCGCACCCGCGCTTCCAGCTTCTGCAGCTGCTTCTTGCCTCC-3'
Protein context (NP_002462.2, residues 1819-1839): ARVRELEGEL[Glu1829Gln]AEQKRNAESV

ClinVar aggregate classification (germline): Uncertain significance. Review status: criteria provided, multiple submitters, no conflicts (2 of 4 stars). 4 submissions from 4 submitters: Uncertain significance (4). Last evaluated 2025-12-08.

Conditions:
Cardiovascular phenotype. Identifiers: MedGen CN230736.
Hypertrophic cardiomyopathy 14. Identifiers: MedGen C2750467, MONDO:0013197, OMIM 613251.

Allele frequency attached by ClinVar (database versions not stated): TOPMed below 0.00001; gnomAD exomes 0.00004; ExAC 0.00005.
gnomAD v4.1: 17 of 1,613,394 alleles (0.0011%); highest among the groups gnomAD compares: South Asian, 0.0044%; no homozygotes.

Submissions (4):

Labcorp Genetics (formerly Invitae), Labcorp
Classification: Uncertain significance for Hypertrophic cardiomyopathy 14. Last evaluated: 2025-12-08. Review status: criteria provided, single submitter. Criteria: Invitae Variant Classification Sherloc (09022015). Collection method: clinical testing. Allele origin: germline.
Comment: This sequence change replaces glutamic acid, which is acidic and polar, with glutamine, which is neutral and polar, at codon 1829 of the MYH6 protein (p.Glu1829Gln). This variant is present in population databases (rs727504626, gnomAD 0.01%). This variant has not been reported in the literature in individuals affected with MYH6-related conditions. ClinVar contains an entry for this variant (Variation ID: 179101). Invitae Evidence Modeling of protein sequence and biophysical properties (such as structural, functional, and spatial information, amino acid conservation, physicochemical variation, residue mobility, and thermodynamic stability) indicates that this missense variant is not expected to disrupt MYH6 protein function with a negative predictive value of 80%. In summary, the available evidence is currently insufficient to determine the role of this variant in disease. Therefore, it has been classified as a Variant of Uncertain Significance.

Ambry Genetics
Classification: Uncertain significance for Cardiovascular phenotype. Last evaluated: 2025-06-13. Review status: criteria provided, single submitter. Criteria: Ambry Variant Classification Scheme 2023. Collection method: clinical testing. Allele origin: germline.
Comment: The p.E1829Q variant (also known as c.5485G>C), located in coding exon 34 of the MYH6 gene, results from a G to C substitution at nucleotide position 5485. The glutamic acid at codon 1829 is replaced by glutamine, an amino acid with highly similar properties. This variant has been reported in an exome cohort (Rodriguez-Flores JL et al. Hum Mutat, 2014 Jan;35:105-16). This amino acid position is well conserved in available vertebrate species. In addition, the in silico prediction for this alteration is inconclusive. Based on the available evidence, the clinical significance of this variant remains unclear.

GeneDx
Classification: Uncertain significance. Last evaluated: 2022-08-16. Review status: criteria provided, single submitter. Criteria: GeneDx Variant Classification Process June 2021. Collection method: clinical testing. Allele origin: germline. Affected: yes.
Comment: In silico analysis supports that this missense variant does not alter protein structure/function; Has not been previously published as pathogenic or benign to our knowledge

Laboratory for Molecular Medicine, Mass General Brigham Personalized Medicine
Classification: Uncertain significance. Last evaluated: 2013-08-11. Review status: criteria provided, single submitter. Criteria: LMM Criteria. Collection method: clinical testing. Allele origin: germline. Observed: 1 variant allele.
Comment: The Glu1829Gln variant in MYH6 has not been reported in individuals with cardiom yopathy or in large population studies. Computational analyses (biochemical amin o acid properties, conservation, AlignGVGD, PolyPhen2, and SIFT) do not provide strong support for or against an impact to the protein. Additional information i s needed to fully assess the clinical significance of this variant.

Literature cited by the submitters: PubMed 24123366 (cited by Ambry Genetics).